The following is an entry in ClinVar:

ClinVar aggregate classification (germline): Likely benign. Review status: criteria provided, multiple submitters, no conflicts (2 of 4 stars). 3 submissions from 3 submitters: Likely benign (3). Last evaluated 2025-06-01.

Allele frequency attached by ClinVar (database versions not stated): ExAC below 0.00001; gnomAD exomes 0.00003 and 0.00006; TOPMed 0.00003; gnomAD 0.00006 and 0.00007.
gnomAD v4.1: 95 of 1,550,416 alleles (0.0061%); highest among the groups gnomAD compares: Middle Eastern, 0.15%; no homozygotes.

Submissions (3):

CeGaT Center for Human Genetics Tuebingen
Classification: Likely benign. Last evaluated: 2025-06-01. Review status: criteria provided, single submitter. Criteria: CeGaT Center For Human Genetics Tuebingen Variant Classification Criteria Version 2. Collection method: clinical testing. Allele origin: germline. Affected: yes. Observed: 1 variant allele.
Comment: OTOG: BP4, BP7

Labcorp Genetics (formerly Invitae), Labcorp
Classification: Likely benign. Last evaluated: 2024-09-16. Review status: criteria provided, single submitter. Criteria: Invitae Variant Classification Sherloc (09022015). Collection method: clinical testing. Allele origin: germline.

Laboratory for Molecular Medicine, Mass General Brigham Personalized Medicine
Classification: Likely benign. Last evaluated: 2015-11-20. Review status: criteria provided, single submitter. Criteria: LMM Criteria. Collection method: clinical testing. Allele origin: germline. Observed: 1 variant allele.
Comment: p.Leu1132Leu in exon 27 of OTOG: This variant is not expected to have clinical s ignificance because it does not alter an amino acid residue and is not located w ithin the splice consensus sequence.

NM_001292063.2(OTOG):c.3360A>G (p.Leu1120=)

Gene: OTOG (otogelin; plus strand). Cytogenetic location: 11p15.1.
Variant type: single nucleotide variant.
Coding change: c.3360A>G on transcript NM_001292063.2 (MANE Select); coding-DNA position 3360, A replaced by G.
Protein change: p.Leu1120=; no amino-acid change (leucine 1120 retained).
Molecular consequence: synonymous variant.
Genome position (GRCh38, 1-based): chr11:17,594,118, A>G. VCF-style: chr11-17594118-A-G. GRCh37 (hg19) VCF-style: chr11-17615665-A-G.
Other names: c.3396A>G, p.Leu1132= (NM_001277269.2).
Identifiers: ClinVar variation 227775 (VCV000227775.22), dbSNP rs779322374, ClinGen allele CA5905728.
Genomic context (GRCh38, chr11:17,594,118, plus strand): 5'-GGGCCTCTGTGGGAACTTTGACTTAAAAACCATCAATGAGATGAGGACCCCGGAGAACCT[A>G]GAGCTAACTAACCCCCAGGAGTTTGGCAGCAGTTGGGCTGCAGTTGAGGTAAAGCCTCTC-3'
Protein context (NP_001278992.1, residues 1110-1130): TINEMRTPEN[Leu1120=]ELTNPQEFGS